The following is an entry in ClinVar:

NM_001371928.1(AHDC1):c.4043C>T (p.Ser1348Phe)

Gene: AHDC1 (AT-hook DNA binding motif containing 1; minus strand). Cytogenetic location: 1p36.11.
Variant type: single nucleotide variant.
Coding change: c.4043C>T on transcript NM_001371928.1 (MANE Select); coding-DNA position 4043, C replaced by T.
Protein change: p.Ser1348Phe; replaces serine 1348 with phenylalanine.
Molecular consequence: missense variant.
Genome position (GRCh38, 1-based): chr1:27,548,073, G>A on the plus strand (C>T on the coding strand, the complement: AHDC1 is on the minus strand). VCF-style: chr1-27548073-G-A. GRCh37 (hg19) VCF-style: chr1-27874584-G-A.
Other names: c.4043C>T (NM_001029882.2); c.4043C>T, p.Ser1348Phe (NM_001029882.3); short protein forms S1348F.
Identifiers: ClinVar variation 3682547 (VCV003682547.3).

ClinVar aggregate classification (germline): Uncertain significance. Review status: criteria provided, multiple submitters, no conflicts (2 of 4 stars). 2 submissions from 2 submitters: Uncertain significance (2). Last evaluated 2026-04-28.

Conditions:
Inborn genetic diseases. Identifiers: MedGen C0950123, MeSH D030342.

gnomAD v4.1: 8 of 1,613,848 alleles (0.0005%); highest among the groups gnomAD compares: South Asian, 0.0077%; no homozygotes.

Submissions (2):

Ambry Genetics
Classification: Uncertain significance for Inborn genetic diseases. Last evaluated: 2026-04-28. Review status: criteria provided, single submitter. Criteria: Ambry Variant Classification Scheme 2023. Collection method: clinical testing. Allele origin: germline.

Labcorp Genetics (formerly Invitae), Labcorp
Classification: Uncertain significance. Last evaluated: 2024-08-28. Review status: criteria provided, single submitter. Criteria: Invitae Variant Classification Sherloc (09022015). Collection method: clinical testing. Allele origin: germline.
Comment: This sequence change replaces serine, which is neutral and polar, with phenylalanine, which is neutral and non-polar, at codon 1348 of the AHDC1 protein (p.Ser1348Phe). This variant is present in population databases (rs752485393, gnomAD 0.003%). This variant has not been reported in the literature in individuals affected with AHDC1-related conditions. An algorithm developed to predict the effect of missense changes on protein structure and function (PolyPhen-2) suggests that this variant is likely to be disruptive. In summary, the available evidence is currently insufficient to determine the role of this variant in disease. Therefore, it has been classified as a Variant of Uncertain Significance.